The following is an entry in ClinVar:

NM_002700.3(POU4F3):c.36_37delinsAA (p.Met12_His13delinsIleAsn)

Genes: POU4F3 (POU class 4 homeobox 3; plus strand), LOC127814297 (RBM27-POU4F3; plus strand). Cytogenetic location: 5q32.
Variant type: Indel.
Coding change: c.36_37delinsAA on transcript NM_002700.3 (MANE Select); coding-DNA positions 36 to 37, GC replaced by AA.
Protein change: p.Met12_His13delinsIleAsn.
Molecular consequence: missense variant.
Genome position (GRCh38, 1-based): chr5:146,339,148-146,339,149, GC replaced by AA. VCF-style: chr5-146339148-GC-AA. GRCh37 (hg19) VCF-style: chr5-145718711-GC-AA.
Other names: c.2869_2870delinsAA, p.Ala957Lys (NM_001414499.1); short protein forms A957K.
Identifiers: ClinVar variation 3368113 (VCV003368113.1).

ClinVar aggregate classification (germline): Uncertain significance (1 of 4 stars; one submission).

Submission:

GeneDx
Classification: Uncertain significance. Last evaluated: 2024-01-22. Review status: criteria provided, single submitter. Criteria: GeneDx Variant Classification Process June 2021. Collection method: clinical testing. Allele origin: germline. Affected: yes.
Comment: Not observed at significant frequency in large population cohorts (gnomAD); In silico analysis supports a deleterious effect on protein structure/function; Has not been previously published as pathogenic or benign to our knowledge